The following is an entry in ClinVar:

ClinVar aggregate classification (germline): Uncertain significance (1 of 4 stars; one submission).

Conditions:
Inborn genetic diseases. Identifiers: MedGen C0950123, MeSH D030342.

Allele frequency attached by ClinVar (database versions not stated): gnomAD exomes 0.00001.
gnomAD v4.1: 9 of 1,611,172 alleles (0.00056%); highest among the groups gnomAD compares: African/African-American, 0.0013%; no homozygotes.

Submission:

Ambry Genetics
Classification: Uncertain significance for Inborn genetic diseases. Last evaluated: 2021-09-02. Review status: criteria provided, single submitter. Criteria: Ambry Variant Classification Scheme 2023. Collection method: clinical testing. Allele origin: germline.
Comment: The c.6001C>T (p.R2001*) alteration, located in exon 30 (coding exon 30) of the CCDC88C gene, consists of a C to T substitution at nucleotide position 6001. This changes the amino acid from a arginine (R) to a stop codon at amino acid position 2001. Premature stop codons are typically deleterious in nature (Richards, 2015). This variant was not reported in population-based cohorts in the Genome Aggregation Database (gnomAD). Based on insufficient or conflicting evidence, the clinical significance of this alteration remains unclear.

NM_001080414.4(CCDC88C):c.6001C>T (p.Arg2001Ter)

Gene: CCDC88C (coiled-coil domain containing 88C; minus strand). Cytogenetic location: 14q32.11.
Variant type: single nucleotide variant.
Coding change: c.6001C>T on transcript NM_001080414.4 (MANE Select); coding-DNA position 6001, C replaced by T.
Protein change: p.Arg2001Ter; replaces arginine 2001 with a stop codon.
Molecular consequence: nonsense.
Genome position (GRCh38, 1-based): chr14:91,272,711, G>A on the plus strand (C>T on the coding strand, the complement: CCDC88C is on the minus strand). VCF-style: chr14-91272711-G-A. GRCh37 (hg19) VCF-style: chr14-91739055-G-A.
Other names: short protein forms R2001*.
Identifiers: ClinVar variation 2238427 (VCV002238427.2), dbSNP rs778199484, ClinGen allele CA390608080.